The following is an entry in ClinVar:

ClinVar aggregate classification (germline): Uncertain significance (1 of 4 stars; one submission).

Submission:

Ambry Genetics
Classification: Uncertain significance. Last evaluated: 2022-12-19. Review status: criteria provided, single submitter. Criteria: Ambry Variant Classification Scheme 2023. Collection method: clinical testing. Allele origin: germline.
Comment: The p.H413Q variant (also known as c.1239T>A), located in coding exon 11 of the BUB1 gene, results from a T to A substitution at nucleotide position 1239. The histidine at codon 413 is replaced by glutamine, an amino acid with highly similar properties. This amino acid position is conserved. In addition, this alteration is predicted to be tolerated by in silico analysis. Since supporting evidence is limited at this time, the clinical significance of this alteration remains unclear.

NM_004336.5(BUB1):c.1239T>A (p.His413Gln)

Gene: BUB1 (BUB1 mitotic checkpoint serine/threonine kinase; minus strand). Cytogenetic location: 2q13.
Variant type: single nucleotide variant.
Coding change: c.1239T>A on transcript NM_004336.5 (MANE Select); coding-DNA position 1239, T replaced by A.
Protein change: p.His413Gln; replaces histidine 413 with glutamine.
Molecular consequence: missense variant.
Genome position (GRCh38, 1-based): chr2:110,660,015, A>T on the plus strand (T>A on the coding strand, the complement: BUB1 is on the minus strand). VCF-style: chr2-110660015-A-T. GRCh37 (hg19) VCF-style: chr2-111417592-A-T.
Other names: c.1179T>A, p.His393Gln (NM_001278616.2); c.1239T>A, p.His413Gln (NM_001278617.2); short protein forms H393Q, H413Q.
Identifiers: ClinVar variation 2451243 (VCV002451243.2), dbSNP rs777790975, ClinGen allele CA348214107.